The following is an entry in ClinVar:

ClinVar aggregate classification (germline): Uncertain significance (1 of 4 stars; one submission).

Conditions:
Cardiovascular phenotype. Identifiers: MedGen CN230736.

Submission:

Ambry Genetics
Classification: Uncertain significance for Cardiovascular phenotype. Last evaluated: 2021-06-23. Review status: criteria provided, single submitter. Criteria: Ambry Variant Classification Scheme 2023. Collection method: clinical testing. Allele origin: germline.
Comment: The p.G2343A variant (also known as c.7028G>C), located in coding exon 42 of the FLNC gene, results from a G to C substitution at nucleotide position 7028. The glycine at codon 2343 is replaced by alanine, an amino acid with similar properties. This amino acid position is conserved. In addition, this alteration is predicted to be deleterious by in silico analysis. Since supporting evidence is limited at this time, the clinical significance of this alteration remains unclear.

NM_001458.5(FLNC):c.7028G>C (p.Gly2343Ala)

Genes: FLNC (filamin C; plus strand), FLNC-AS1 (FLNC antisense RNA 1; minus strand). Cytogenetic location: 7q32.1.
Variant type: single nucleotide variant.
Coding change: c.7028G>C on transcript NM_001458.5 (MANE Select); coding-DNA position 7028, G replaced by C.
Protein change: p.Gly2343Ala; replaces glycine 2343 with alanine.
Molecular consequence: missense variant.
Genome position (GRCh38, 1-based): chr7:128,854,805, G>C. VCF-style: chr7-128854805-G-C. GRCh37 (hg19) VCF-style: chr7-128494859-G-C.
Other names: c.6929G>C, p.Gly2310Ala (NM_001127487.2); short protein forms G2343A, G2310A.
Identifiers: ClinVar variation 1756753 (VCV001756753.2), dbSNP rs2536665871, ClinGen allele CA369214983.